The following is an entry in ClinVar:

NM_000245.4(MET):c.2533G>C (p.Glu845Gln)

Gene: MET (MET proto-oncogene, receptor tyrosine kinase; plus strand). Cytogenetic location: 7q31.2.
Variant type: single nucleotide variant.
Coding change: c.2533G>C on transcript NM_000245.4 (MANE Select); coding-DNA position 2533, G replaced by C.
Protein change: p.Glu845Gln; replaces glutamic acid 845 with glutamine.
Molecular consequence: missense variant.
Genome position (GRCh38, 1-based): chr7:116,763,218, G>C. VCF-style: chr7-116763218-G-C. GRCh37 (hg19) VCF-style: chr7-116403272-G-C.
Other names: c.2587G>C, p.Glu863Gln (NM_001127500.3); c.2533G>C, p.Glu845Gln (NM_001324401.3); c.1243G>C, p.Glu415Gln (NM_001324402.2); short protein forms E415Q, E845Q, E863Q.
Identifiers: ClinVar variation 840296 (VCV000840296.12), dbSNP rs1794470895, ClinGen allele CA368983556.

ClinVar aggregate classification (germline): Uncertain significance. Review status: criteria provided, multiple submitters, no conflicts (2 of 4 stars). 2 submissions from 2 submitters: Uncertain significance (2). Last evaluated 2023-09-04.

Conditions:
Hereditary cancer-predisposing syndrome. Also called: Neoplastic Syndromes, Hereditary; Tumor predisposition; Hereditary neoplastic syndrome; Hereditary Cancer Syndrome. Identifiers: Orphanet 140162, MedGen C0027672, MeSH D009386, MONDO:0015356.
Renal cell carcinoma. Identifiers: Orphanet 217071, MedGen C0007134, MeSH D002292, MONDO:0005086, HP:0005584.

Submissions (2):

Labcorp Genetics (formerly Invitae), Labcorp
Classification: Uncertain significance for Renal cell carcinoma. Last evaluated: 2023-09-04. Review status: criteria provided, single submitter. Criteria: Invitae Variant Classification Sherloc (09022015). Collection method: clinical testing. Allele origin: germline.
Comment: In summary, the available evidence is currently insufficient to determine the role of this variant in disease. Therefore, it has been classified as a Variant of Uncertain Significance. Advanced modeling of protein sequence and biophysical properties (such as structural, functional, and spatial information, amino acid conservation, physicochemical variation, residue mobility, and thermodynamic stability) performed at Invitae indicates that this missense variant is not expected to disrupt MET protein function. ClinVar contains an entry for this variant (Variation ID: 840296). This variant has not been reported in the literature in individuals affected with MET-related conditions. This variant is not present in population databases (gnomAD no frequency). This sequence change replaces glutamic acid, which is acidic and polar, with glutamine, which is neutral and polar, at codon 863 of the MET protein (p.Glu863Gln).

Ambry Genetics
Classification: Uncertain significance for Hereditary cancer-predisposing syndrome. Last evaluated: 2021-06-09. Review status: criteria provided, single submitter. Criteria: Ambry Variant Classification Scheme 2023. Collection method: clinical testing. Allele origin: germline.
Comment: The p.E863Q variant (also known as c.2587G>C), located in coding exon 10 of the MET gene, results from a G to C substitution at nucleotide position 2587. The glutamic acid at codon 863 is replaced by glutamine, an amino acid with highly similar properties. This amino acid position is highly conserved in available vertebrate species. In addition, this alteration is predicted to be tolerated by in silico analysis. Since supporting evidence is limited at this time, the clinical significance of this alteration remains unclear.